The following is an entry in ClinVar:

ClinVar aggregate classification (germline): Conflicting classifications of pathogenicity. Review status: criteria provided, conflicting classifications (1 of 4 stars). 8 submissions from 8 submitters: Uncertain significance (6); Benign (1). 1 of the submissions does not count toward it. Last evaluated 2025-12-09.

Conditions:
VWF-related disorder. Also called: VWF-related condition; VWF-related disorders.

Allele frequency attached by ClinVar (database versions not stated): gnomAD exomes 0.00037 and 0.00084; ExAC 0.00090; 1000 Genomes Project 30x 0.00125; ESP Exome Variant Server 0.00138; 1000 Genomes Project 0.00140; TOPMed 0.00161; gnomAD 0.00222 and 0.00229.
gnomAD v4.1: 883 of 1,613,852 alleles (0.055%); highest among the groups gnomAD compares: African/African-American, 0.51%; 4 homozygotes.

Submissions (8):

Women's Health and Genetics/Laboratory Corporation of America, LabCorp
Classification: Uncertain significance. Last evaluated: 2025-12-09. Review status: criteria provided, single submitter. Criteria: LabCorp Variant Classification Summary - May 2015. Collection method: clinical testing. Allele origin: germline.
Comment: Variant summary: VWF c.4315G>A (p.Val1439Met) results in a conservative amino acid change located in the von Willebrand factor, type A (IPR002035) of the encoded protein sequence. Four of five in-silico tools predict a benign effect of the variant on protein function. The variant allele was found at a frequency of 0.00084 in 251128 control chromosomes and has been seen in 4 homozygotes in gnomAD (v4.1.0). This frequency is not significantly higher than estimated for a pathogenic variant in VWF causing Von Willebrand Disease, allowing no conclusion about variant significance. c.4315G>A has been reported in the literature in individuals affected with Von Willebrand Disease or Haemophilia, without strong evidence for causality (Ahmad_2013, Borras_2022). A case-control study using regression model reported the variant had no significant association with VWF antigen and FVIII:C levels (Johsen_2013). At least one publication reports experimental evidence evaluating an impact on protein function. These results showed no damaging effect of this variant in HEK293-EBNA1 cells (Ahmad_2013). The following publications have been ascertained in the context of this evaluation (PMID: 23179108, 34708896, 23690449). ClinVar contains an entry for this variant (Variation ID: 1334625). Based on the evidence outlined above, the variant was classified as VUS-possibly benign.

Quest Diagnostics Nichols Institute San Juan Capistrano
Classification: Uncertain significance. Last evaluated: 2025-07-28. Review status: criteria provided, single submitter. Criteria: Quest Diagnostics criteria. Collection method: clinical testing. Allele origin: unknown.
Comment: The VWF c.4315G>A (p.Val1439Met) variant has been reported in the published literature individuals with Type 2M von Willebrand disease (PMIDs: 23179108 (2013) and 37845247 (2023)) and showed no significant effect on VWF antigen and FVIII:C levels (PMID: 23690449 (2013)). This variant has also been reported in individuals with hemophilia (PMID: 34708896 (2021)) and ischemic stroke (PMID: 36973604 (2023)). The frequency of this variant in the general population (Genome Aggregation Database) is uninformative in the assessment of its pathogenicity. Analysis of this variant using bioinformatics tools for the prediction of the effect of amino acid changes on protein structure and function yielded predictions that this variant is benign. Based on the available information, we are unable to determine the clinical significance of this variant.

ARUP Laboratories, Molecular Genetics and Genomics, ARUP Laboratories
Classification: Uncertain significance. Last evaluated: 2025-06-27. Review status: criteria provided, single submitter. Criteria: ARUP Molecular Germline Variant Investigation Process 2024. Collection method: clinical testing. Allele origin: germline.
Comment: The VWF c.4315G>A; p.Val1439Met variant (rs150077670, ClinVar Variation ID: 1334625) is reported in the literature in an individual affected with von Willebrand disease of type 2M (VWD 2M; Ahmad 2013). This variant has been reported in an individual with VWD 2M that also carried p.Asp1472Tyr (Dubois 2025). Additionally, the p.Val1439Met variant is reported in the literature in an individual affected with hemophilia that also carried other VWF variants and a familial F8 variant that may explain the phenotype (Borras 2022). This variant is found in the general population with an overall allele frequency of 0.1% (283/282,498 alleles) in the Genome Aggregation Database (v2.1.1). A case-control study found this variant did not have a statistically significant association with VWF antigen or Factor VIII levels (Johnsen 2013). An in vitro assay found this variant did not affect multimer patterns (Ahmad 2013). Computational analyses are uncertain whether this variant is neutral or deleterious (REVEL: 0.56). Due to conflicting information, the clinical significance of this variant is uncertain at this time. References: Ahmad F et al. Characterisation of mutations and molecular studies of type 2 von Willebrand disease. Thromb Haemost. 2013 Jan;109(1):39-46. PMID: 23179108. Borras N et al. Molecular study of a large cohort of 109 haemophilia patients from Cuba using a gene panel with next generation sequencing-based technology. Haemophilia. 2022 Jan;28(1):125-137. PMID: 34708896. Dubois MD et al. Clinical, Phenotypic and Genotypic Characteristics of Von Willebrand Disease in Afro-Caribbeans: Results From a Study in Martinique Island, French West Indies. Haemophilia. 2025 May;31(3):458-476. PMID: 40123275. Johnsen JM et al. Common and rare von Willebrand factor (VWF) coding variants, VWF levels, and factor VIII levels in African Americans: the NHLBI Exome Sequencing Project. Blood. 2013 Jul 25;122(4):590-7. PMID: 23690449.

GeneDx
Classification: Uncertain significance. Last evaluated: 2025-03-25. Review status: criteria provided, single submitter. Criteria: GeneDx Variant Classification Process June 2021. Collection method: clinical testing. Allele origin: germline. Affected: yes.
Comment: In silico analysis supports that this missense variant does not alter protein structure/function; This variant is associated with the following publications: (PMID: 34708896, 24482836, 23690449, 23179108)

Mayo Clinic Laboratories, Mayo Clinic
Classification: Benign. Last evaluated: 2024-12-12. Review status: criteria provided, single submitter. Criteria: ACMG Guidelines, 2015. Collection method: clinical testing. Allele origin: germline. Observed: 1 variant allele.
Comment: BS2, BS3

Mendelics
Classification: Uncertain significance. Last evaluated: 2022-05-04. Review status: criteria provided, single submitter. Criteria: Mendelics Assertion Criteria 2019. Collection method: clinical testing. Allele origin: germline.

Greenwood Genetic Center Diagnostic Laboratories, Greenwood Genetic Center
Classification: Uncertain significance. Last evaluated: 2021-10-05. Review status: criteria provided, single submitter. Criteria: ACMG Guidelines, 2015. Collection method: clinical testing. Allele origin: germline. Affected: yes.
Comment: BP4

PreventionGenetics, part of Exact Sciences
Classification: Uncertain significance for VWF-related condition. Last evaluated: 2024-08-04. Review status: no assertion criteria provided. Collection method: clinical testing. Allele origin: germline. Not counted in ClinVar's aggregate classification.
Comment: The VWF c.4315G>A variant is predicted to result in the amino acid substitution p.Val1439Met. This variant has reported in an individual with von Willebrand disease 2M and functional studies suggest this variant may have some effect on normal VWF function, but data are still unclear (Ahmad et al. 2013. PubMed ID: 23179108; Johnsen et al. 2013. PubMed ID: 23690449). This variant has also been reported in a cohort study of individuals with hemophilia (Borràs et al. 2021. PubMed ID: 34708896). This variant is reported in 0.49% of alleles in individuals of European (Finnish) descent in gnomAD. At this time, the clinical significance of this variant is uncertain due to the absence of conclusive functional and genetic evidence.

Literature cited by the submitters: PubMed 23179108 (cited by 3 submitters); PubMed 34708896 (cited by 3 submitters); PubMed 23690449 (cited by Women's Health and Genetics/Laboratory Corporation of America, LabCorp and Quest Diagnostics Nichols Institute San Juan Capistrano); PubMed 37647632 (cited by Quest Diagnostics Nichols Institute San Juan Capistrano); PubMed 24482836 (cited by Quest Diagnostics Nichols Institute San Juan Capistrano); PubMed 37845247 (cited by Quest Diagnostics Nichols Institute San Juan Capistrano); PubMed 36973604 (cited by Quest Diagnostics Nichols Institute San Juan Capistrano).

NM_000552.5(VWF):c.4315G>A (p.Val1439Met)

Gene: VWF (von Willebrand factor; minus strand). Cytogenetic location: 12p13.31.
Variant type: single nucleotide variant.
Coding change: c.4315G>A on transcript NM_000552.5 (MANE Select); coding-DNA position 4315, G replaced by A.
Protein change: p.Val1439Met; replaces valine 1439 with methionine.
Molecular consequence: missense variant.
Genome position (GRCh38, 1-based): chr12:6,019,103, C>T on the plus strand (G>A on the coding strand, the complement: VWF is on the minus strand). VCF-style: chr12-6019103-C-T. GRCh37 (hg19) VCF-style: chr12-6128269-C-T.
Other names: p.Val1439Met; c.4315G>A (NM_000552.3); short protein forms V1439M.
Identifiers: ClinVar variation 1334625 (VCV001334625.15), dbSNP rs150077670, ClinGen allele CA6402550.